The following is an entry in ClinVar:

NM_033109.5(PNPT1):c.2212C>T (p.Arg738Cys)

Gene: PNPT1 (polyribonucleotide nucleotidyltransferase 1; minus strand). Cytogenetic location: 2p16.1.
Variant type: single nucleotide variant.
Coding change: c.2212C>T on transcript NM_033109.5 (MANE Select); coding-DNA position 2212, C replaced by T.
Protein change: p.Arg738Cys; replaces arginine 738 with cysteine.
Molecular consequence: missense variant.
Genome position (GRCh38, 1-based): chr2:55,636,377, G>A on the plus strand (C>T on the coding strand, the complement: PNPT1 is on the minus strand). VCF-style: chr2-55636377-G-A. GRCh37 (hg19) VCF-style: chr2-55863512-G-A.
Other names: short protein forms R738C.
Identifiers: ClinVar variation 1367904 (VCV001367904.5), dbSNP rs1033071660, ClinGen allele CA47647145.

ClinVar aggregate classification (germline): Uncertain significance (1 of 4 stars; one submission).

Allele frequency attached by ClinVar (database versions not stated): gnomAD exomes below 0.00001 and 0.00002; gnomAD 0.00001; TOPMed 0.00003.
gnomAD v4.1: 26 of 1,613,814 alleles (0.0016%); highest among the groups gnomAD compares: African/African-American, 0.0027%; no homozygotes.

Submission:

Labcorp Genetics (formerly Invitae), Labcorp
Classification: Uncertain significance. Last evaluated: 2022-10-17. Review status: criteria provided, single submitter. Criteria: Invitae Variant Classification Sherloc (09022015). Collection method: clinical testing. Allele origin: germline.
Comment: This sequence change replaces arginine, which is basic and polar, with cysteine, which is neutral and slightly polar, at codon 738 of the PNPT1 protein (p.Arg738Cys). This variant is present in population databases (no rsID available, gnomAD 0.007%). This missense change has been observed in individual(s) with clinical features of PNPT1-related conditions (PMID: 31752325). ClinVar contains an entry for this variant (Variation ID: 1367904). Advanced modeling of protein sequence and biophysical properties (such as structural, functional, and spatial information, amino acid conservation, physicochemical variation, residue mobility, and thermodynamic stability) performed at Invitae indicates that this missense variant is expected to disrupt PNPT1 protein function. In summary, the available evidence is currently insufficient to determine the role of this variant in disease. Therefore, it has been classified as a Variant of Uncertain Significance.

Literature cited by the submitters: PubMed 31752325.